The following is an entry in ClinVar:

NM_000553.6(WRN):c.4085G>A (p.Gly1362Glu)

Gene: WRN (WRN RecQ like helicase; plus strand). Cytogenetic location: 8p12.
Variant type: single nucleotide variant.
Coding change: c.4085G>A on transcript NM_000553.6 (MANE Select); coding-DNA position 4085, G replaced by A.
Protein change: p.Gly1362Glu; replaces glycine 1362 with glutamic acid.
Molecular consequence: missense variant.
Genome position (GRCh38, 1-based): chr8:31,167,124, G>A. VCF-style: chr8-31167124-G-A. GRCh37 (hg19) VCF-style: chr8-31024640-G-A.
Other names: short protein forms G1362E.
Identifiers: ClinVar variation 1515489 (VCV001515489.4), dbSNP rs372005303, ClinGen allele CA174886836.

ClinVar aggregate classification (germline): Uncertain significance (1 of 4 stars; one submission).

Conditions:
Werner syndrome (WRN). Identifiers: Orphanet 902, MedGen C0043119, MONDO:0010196, OMIM 277700.

Allele frequency attached by ClinVar (database versions not stated): gnomAD exomes below 0.00001; gnomAD 0.00001; TOPMed 0.00001; ESP Exome Variant Server 0.00008.
gnomAD v4.1: 3 of 1,613,290 alleles (0.00019%); highest among the groups gnomAD compares: African/African-American, 0.0027%; no homozygotes.

Submission:

Labcorp Genetics (formerly Invitae), Labcorp
Classification: Uncertain significance for Werner syndrome. Last evaluated: 2022-07-23. Review status: criteria provided, single submitter. Criteria: Invitae Variant Classification Sherloc (09022015). Collection method: clinical testing. Allele origin: germline.
Comment: This sequence change replaces glycine, which is neutral and non-polar, with glutamic acid, which is acidic and polar, at codon 1362 of the WRN protein (p.Gly1362Glu). This variant is not present in population databases (gnomAD no frequency). This variant has not been reported in the literature in individuals affected with WRN-related conditions. ClinVar contains an entry for this variant (Variation ID: 1515489). Algorithms developed to predict the effect of missense changes on protein structure and function are either unavailable or do not agree on the potential impact of this missense change (SIFT: "Not Available"; PolyPhen-2: "Benign"; Align-GVGD: "Not Available"). In summary, the available evidence is currently insufficient to determine the role of this variant in disease. Therefore, it has been classified as a Variant of Uncertain Significance.